The following is an entry in ClinVar:

NM_000051.4(ATM):c.3618A>G (p.Leu1206=)

Gene: ATM (ATM serine/threonine kinase; plus strand). Cytogenetic location: 11q22.3.
Variant type: single nucleotide variant.
Coding change: c.3618A>G on transcript NM_000051.4 (MANE Select); coding-DNA position 3618, A replaced by G.
Protein change: p.Leu1206=; no amino-acid change (leucine 1206 retained).
Molecular consequence: synonymous variant.
Genome position (GRCh38, 1-based): chr11:108,282,751, A>G. VCF-style: chr11-108282751-A-G. GRCh37 (hg19) VCF-style: chr11-108153478-A-G.
Other names: c.3618A>G, p.Leu1206= (NM_001351834.2).
Identifiers: ClinVar variation 183907 (VCV000183907.56), dbSNP rs786201151, ClinGen allele CA186947.
Genomic context (GRCh38, chr11:108,282,751, plus strand): 5'-GACTTTTTGGTTCGTGCAGGTTTTAGAGAAAGTTTCTGAAACTTTTGGATATAGACGTTT[A>G]GAAGACTTTATGGCATCTCATTTAGATTATCTGGTTTTGGAATGGCTAAATCTTCAAGAT-3'
Protein context (NP_000042.3, residues 1196-1216): KVSETFGYRR[Leu1206=]EDFMASHLDY

ClinVar aggregate classification (germline): Benign/Likely benign. Review status: criteria provided, multiple submitters, no conflicts (2 of 4 stars). 5 submissions from 5 submitters: Benign (1); Likely benign (4). Last evaluated 2026-01-22.

Conditions:
Hereditary cancer-predisposing syndrome. Also called: Tumor predisposition; Hereditary Cancer Syndrome; Hereditary neoplastic syndrome; Neoplastic Syndromes, Hereditary. Identifiers: Orphanet 140162, MedGen C0027672, MeSH D009386, MONDO:0015356.
Familial cancer of breast. Also called: BREAST CANCER, FAMILIAL; hereditary breast carcinoma; Hereditary breast cancer. Identifiers: Orphanet 227535, MedGen C0346153, MONDO:0016419, OMIM 114480. Disease mechanism: loss of function.
Ataxia-telangiectasia syndrome (AT). Also called: LOUIS-BAR SYNDROME; Cerebello-oculocutaneous telangiectasia; Immunodeficiency with ataxia telangiectasia; ATAXIA-TELANGIECTASIA, COMPLEMENTATION GROUP A; ATAXIA-TELANGIECTASIA, FRESNO VARIANT; Ataxia-telangiectasia. Identifiers: Orphanet 100, MedGen C0004135, MONDO:0008840, OMIM 208900.

Allele frequency attached by ClinVar (database versions not stated): gnomAD exomes below 0.00001.
gnomAD v4.1: 2 of 1,613,530 alleles (0.00012%); highest among the groups gnomAD compares: Non-Finnish European, 0.00017%; no homozygotes.

Submissions (5):

Labcorp Genetics (formerly Invitae), Labcorp
Classification: Likely benign for Ataxia-telangiectasia syndrome. Last evaluated: 2026-01-22. Review status: criteria provided, single submitter. Criteria: Invitae Variant Classification Sherloc (09022015). Collection method: clinical testing. Allele origin: germline.

Myriad Genetics, Inc.
Classification: Benign for Familial cancer of breast. Last evaluated: 2024-05-15. Review status: criteria provided, single submitter. Criteria: Myriad Autosomal Dominant, Autosomal Recessive and X-Linked Classification Criteria (2023). Collection method: clinical testing. Allele origin: unknown.
Comment: This variant is considered benign. This variant is a silent/synonymous amino acid change and it is not expected to impact splicing.

GeneDx
Classification: Likely benign. Last evaluated: 2018-03-29. Review status: criteria provided, single submitter. Criteria: GeneDx Variant Classification Process June 2021. Collection method: clinical testing. Allele origin: germline. Affected: yes.

Color Diagnostics, LLC DBA Color Health
Classification: Likely benign for Hereditary cancer-predisposing syndrome. Last evaluated: 2017-03-06. Review status: criteria provided, single submitter. Criteria: ACMG Guidelines, 2015. Collection method: clinical testing. Allele origin: germline.

Ambry Genetics
Classification: Likely benign for Hereditary cancer-predisposing syndrome. Last evaluated: 2014-10-07. Review status: criteria provided, single submitter. Criteria: Ambry Variant Classification Scheme 2023. Collection method: clinical testing. Allele origin: germline.